The following is an entry in ClinVar:

NM_000834.5(GRIN2B):c.160C>T (p.His54Tyr)

Gene: GRIN2B (glutamate ionotropic receptor NMDA type subunit 2B; minus strand). Cytogenetic location: 12p13.1.
Variant type: single nucleotide variant.
Coding change: c.160C>T on transcript NM_000834.5 (MANE Select); coding-DNA position 160, C replaced by T.
Protein change: p.His54Tyr; replaces histidine 54 with tyrosine.
Molecular consequence: missense variant.
Genome position (GRCh38, 1-based): chr12:13,866,049, G>A on the plus strand (C>T on the coding strand, the complement: GRIN2B is on the minus strand). VCF-style: chr12-13866049-G-A. GRCh37 (hg19) VCF-style: chr12-14018983-G-A.
Other names: c.160C>T, p.His54Tyr (NM_001413992.1, NM_001413993.1, NM_001413994.1 and 1 more transcripts); short protein forms H54Y.
Identifiers: ClinVar variation 3771524 (VCV003771524.13).

ClinVar aggregate classification (germline): Uncertain significance (1 of 4 stars; one submission).

Submission:

CeGaT Center for Human Genetics Tuebingen
Classification: Uncertain significance. Last evaluated: 2025-01-01. Review status: criteria provided, single submitter. Criteria: CeGaT Center For Human Genetics Tuebingen Variant Classification Criteria Version 2. Collection method: clinical testing. Allele origin: germline. Affected: yes. Observed: 1 variant allele.
Comment: GRIN2B: PM2